The following is an entry in ClinVar:

NM_001099403.2(PRDM8):c.1770_1781dup (p.Ala595_Ala598dup)

Gene: PRDM8 (PR/SET domain 8; plus strand). Cytogenetic location: 4q21.21.
Variant type: Duplication.
Coding change: c.1770_1781dup on transcript NM_001099403.2 (MANE Select); coding-DNA positions 1770 to 1781, 12 bases duplicated (AGCCGCGGCTGC).
Protein change: p.Ala595_Ala598dup.
Molecular consequence: inframe insertion.
Genome position (GRCh38, 1-based): chr4:80,203,232-80,203,243, AGCCGCGGCTGC duplicated; duplicating any 12 consecutive bases within chr4:80,203,227-80,203,243 gives the same sequence; the c. name uses the placement nearest the transcript's 3' end. VCF-style (leftmost placement, unchanged base first): chr4-80203226-C-CGCTGCAGCCGCG. GRCh37 (hg19) VCF-style: chr4-81124380-C-CGCTGCAGCCGCG.
Other names: c.1770_1781dup, p.Ala595_Ala598dup (NM_020226.4).
Identifiers: ClinVar variation 1500514 (VCV001500514.8), dbSNP rs1044242742, ClinGen allele CA1471295495.

ClinVar aggregate classification (germline): Uncertain significance (1 of 4 stars; one submission).

Conditions:
Early-onset Lafora body disease. Also called: Epilepsy, progressive myoclonic, 10. Identifiers: Orphanet 324290, MedGen C4225258, MONDO:0014717, OMIM 616640.

Submission:

Labcorp Genetics (formerly Invitae), Labcorp
Classification: Uncertain significance for Early-onset Lafora body disease. Last evaluated: 2021-02-04. Review status: criteria provided, single submitter. Criteria: Invitae Variant Classification Sherloc (09022015). Collection method: clinical testing. Allele origin: germline.
Comment: In summary, the available evidence is currently insufficient to determine the role of this variant in disease. Therefore, it has been classified as a Variant of Uncertain Significance. Experimental studies and prediction algorithms are not available or were not evaluated, and the functional significance of this variant is currently unknown. This variant has not been reported in the literature in individuals with PRDM8-related conditions. The frequency data for this variant in the population databases is considered unreliable, as metrics indicate insufficient coverage at this position in the ExAC database. This variant, c.1770_1781dup, results in the insertion of 4 amino acid(s) to the PRDM8 protein (p.Ala595_Ala598dup), but otherwise preserves the integrity of the reading frame.